The following is an entry in ClinVar:

NM_006514.4(SCN10A):c.4384del (p.Pro1461_Leu1462insTer)

Gene: SCN10A (sodium voltage-gated channel alpha subunit 10; minus strand). Cytogenetic location: 3p22.2.
Variant type: Deletion.
Coding change: c.4384del on transcript NM_006514.4 (MANE Select); coding-DNA position 4384, one base deleted (C; older notation c.4384delC).
Protein change: p.Pro1461_Leu1462insTer.
Molecular consequence: nonsense.
Genome position (GRCh38, 1-based): chr3:38,707,281, G deleted on the plus strand (C on the coding strand, the reverse complement: SCN10A is on the minus strand); the first of 4 consecutive G bases (chr3:38,707,281-38,707,284); deleting any one gives the same sequence. VCF-style (leftmost placement, unchanged base first): chr3-38707280-AG-A. GRCh37 (hg19) VCF-style: chr3-38748771-AG-A.
Other names: c.4381del, p.Pro1460_Leu1461insTer (NM_001293306.2); c.4090del, p.Pro1363_Leu1364insTer (NM_001293307.2).
Identifiers: ClinVar variation 864709 (VCV000864709.6), dbSNP rs2063220383, ClinGen allele CA916082565.
Genomic context (GRCh38, chr3:38,707,280, plus strand): 5'-ATAGACTGTCATGTTGGATTCACAGACAGGCTGTGCTAGAGGAAACCTCTGGGGCTCACC[AG>A]GGGCCGTGGGATGGGCTTCTGGGGCTTCTTGGAGCCCAACTTCTTCATGGCATTGTAGTA-3'

ClinVar aggregate classification (germline): Uncertain significance (1 of 4 stars; one submission).

Conditions:
Brugada syndrome. Also called: Sudden unexpected nocturnal death syndrome; Sudden Unexplained Death Syndrome; Sudden Unexplained Nocturnal Death Syndrome (SUNDS); Sudden unexplained nocturnal death syndrome. Identifiers: Orphanet 130, MedGen C1142166, MONDO:0015263.

Submission:

Labcorp Genetics (formerly Invitae), Labcorp
Classification: Uncertain significance for Brugada syndrome. Last evaluated: 2022-09-13. Review status: criteria provided, single submitter. Criteria: Invitae Variant Classification Sherloc (09022015). Collection method: clinical testing. Allele origin: germline.
Comment: In summary, the available evidence is currently insufficient to determine the role of this variant in disease. Therefore, it has been classified as a Variant of Uncertain Significance. ClinVar contains an entry for this variant (Variation ID: 864709). This variant has not been reported in the literature in individuals affected with SCN10A-related conditions. This variant is not present in population databases (gnomAD no frequency). This sequence change creates a premature translational stop signal (p.Leu1462*) in the SCN10A gene. It is expected to result in an absent or disrupted protein product. However, the current clinical and genetic evidence is not sufficient to establish whether loss-of-function variants in SCN10A cause disease.